The following is an entry in ClinVar:

ClinVar aggregate classification (germline): Likely pathogenic (1 of 4 stars; one submission).

Conditions:
Dilated cardiomyopathy 1G (CMD1G). Identifiers: Orphanet 154, MedGen C1858763, MONDO:0011400, OMIM 604145.
Autosomal recessive limb-girdle muscular dystrophy type 2J (LGMDR10). Also called: MUSCULAR DYSTROPHY, LIMB-GIRDLE, AUTOSOMAL RECESSIVE 10; Limb-girdle muscular dystrophy, type 2J. Identifiers: Orphanet 140922, MedGen C1837342, MONDO:0012127, OMIM 608807.

Submission:

Labcorp Genetics (formerly Invitae), Labcorp
Classification: Likely pathogenic for Dilated cardiomyopathy 1G; Autosomal recessive limb-girdle muscular dystrophy type 2J. Last evaluated: 2022-12-14. Review status: criteria provided, single submitter. Criteria: Invitae Variant Classification Sherloc (09022015). Collection method: clinical testing. Allele origin: germline.
Comment: In summary, the currently available evidence indicates that the variant is pathogenic, but additional data are needed to prove that conclusively. Therefore, this variant has been classified as Likely Pathogenic. This variant is located in the A band of TTN (PMID: 25589632). Truncating variants in this region are significantly overrepresented in patients affected with dilated cardiomyopathy (PMID: 25589632). Truncating variants in this region have also been reported in individuals affected with autosomal recessive centronuclear myopathy (PMID: 23975875). Algorithms developed to predict the effect of sequence changes on RNA splicing suggest that this variant may disrupt the consensus splice site. This variant has not been reported in the literature in individuals affected with TTN-related conditions. This variant is not present in population databases (gnomAD no frequency). This sequence change creates a premature translational stop signal (p.Gly17861Valfs*94) in the TTN gene. While this is not anticipated to result in nonsense mediated decay, it is expected to create a truncated TTN protein.

Literature cited by the submitters: PubMed 25589632; PubMed 23975875.

NM_001267550.2(TTN):c.53581+1del

Genes: TTN (titin; minus strand), TTN-AS1 (TTN antisense RNA 1; plus strand). Cytogenetic location: 2q31.2.
Variant type: Deletion.
Coding change: c.53581+1del on transcript NM_001267550.2 (MANE Select); the canonical splice donor site of the intron after coding-DNA position 53581, one base deleted (G; older notation c.53581+1delG).
Molecular consequence: splice donor variant.
Genome position (GRCh38, 1-based): chr2:178,607,020, C deleted on the plus strand (G on the coding strand, the reverse complement: TTN is on the minus strand); the first of 2 consecutive C bases (chr2:178,607,020-178,607,021); deleting either gives the same sequence. VCF-style (leftmost placement, unchanged base first): chr2-178607019-AC-A. GRCh37 (hg19) VCF-style: chr2-179471746-AC-A.
Other names: c.26386+1del (NM_003319.4); c.26962+1del (NM_133437.4); c.26761+1del (NM_133432.3); c.45877+1del (NM_133378.4); c.48658+1del (NM_001256850.1).
Identifiers: ClinVar variation 2942317 (VCV002942317.3), dbSNP rs2470270703, ClinGen allele CA2740096116.